The following is an entry in ClinVar:

NM_000718.4(CACNA1B):c.4546A>G (p.Met1516Val)

Gene: CACNA1B (calcium voltage-gated channel subunit alpha1 B; plus strand). Cytogenetic location: 9q34.3.
Variant type: single nucleotide variant.
Coding change: c.4546A>G on transcript NM_000718.4 (MANE Select); coding-DNA position 4546, A replaced by G.
Protein change: p.Met1516Val; replaces methionine 1516 with valine.
Molecular consequence: missense variant.
Genome position (GRCh38, 1-based): chr9:138,059,151, A>G. VCF-style: chr9-138059151-A-G. GRCh37 (hg19) VCF-style: chr9-140953603-A-G.
Other names: c.4546A>G, p.Met1516Val (NM_001243812.2); short protein forms M1516V.
Identifiers: ClinVar variation 2192909 (VCV002192909.3), dbSNP rs200318196, ClinGen allele CA201855244.

ClinVar aggregate classification (germline): Uncertain significance (1 of 4 stars; one submission).

Allele frequency attached by ClinVar (database versions not stated): gnomAD exomes 0.00001; TOPMed 0.00002.

Submission:

Labcorp Genetics (formerly Invitae), Labcorp
Classification: Uncertain significance. Last evaluated: 2022-01-17. Review status: criteria provided, single submitter. Criteria: Invitae Variant Classification Sherloc (09022015). Collection method: clinical testing. Allele origin: germline.
Comment: In summary, the available evidence is currently insufficient to determine the role of this variant in disease. Therefore, it has been classified as a Variant of Uncertain Significance. Advanced modeling of protein sequence and biophysical properties (such as structural, functional, and spatial information, amino acid conservation, physicochemical variation, residue mobility, and thermodynamic stability) performed at Invitae indicates that this missense variant is not expected to disrupt CACNA1B protein function. This variant has not been reported in the literature in individuals affected with CACNA1B-related conditions. This variant is not present in population databases (gnomAD no frequency). This sequence change replaces methionine, which is neutral and non-polar, with valine, which is neutral and non-polar, at codon 1516 of the CACNA1B protein (p.Met1516Val).